The following is an entry in ClinVar:

NM_016222.4(DDX41):c.1354C>T (p.Leu452=)

Gene: DDX41 (DEAD-box helicase 41; minus strand). Cytogenetic location: 5q35.3.
Variant type: single nucleotide variant.
Coding change: c.1354C>T on transcript NM_016222.4 (MANE Select); coding-DNA position 1354, C replaced by T.
Protein change: p.Leu452=; no amino-acid change (leucine 452 retained).
Molecular consequence: synonymous variant.
Genome position (GRCh38, 1-based): chr5:177,512,825, G>A on the plus strand (C>T on the coding strand, the complement: DDX41 is on the minus strand). VCF-style: chr5-177512825-G-A. GRCh37 (hg19) VCF-style: chr5-176939826-G-A.
Other names: c.976C>T, p.Leu326= (NM_001321732.2, NM_001321830.2).
Identifiers: ClinVar variation 1179260 (VCV001179260.17), dbSNP rs143421709, ClinGen allele CA3584787.

ClinVar aggregate classification (germline): Benign/Likely benign. Review status: criteria provided, multiple submitters, no conflicts (2 of 4 stars). 6 submissions from 6 submitters: Benign (2); Likely benign (3). 1 of the submissions does not count toward it. Last evaluated 2026-01-27.

Conditions:
Inborn genetic diseases. Identifiers: MedGen C0950123, MeSH D030342.
DDX41-related disorder. Also called: DDX41-related condition.

Allele frequency attached by ClinVar (database versions not stated): 1000 Genomes Project 30x 0.00062; 1000 Genomes Project 0.00080; gnomAD exomes 0.00085 and 0.00122; ESP Exome Variant Server 0.00100; gnomAD 0.00106 and 0.00115; ExAC 0.00112; TOPMed 0.00131.

Submissions (6):

Labcorp Genetics (formerly Invitae), Labcorp
Classification: Benign. Last evaluated: 2026-01-27. Review status: criteria provided, single submitter. Criteria: Invitae Variant Classification Sherloc (09022015). Collection method: clinical testing. Allele origin: germline.

Blueprint Genetics
Classification: Likely benign. Last evaluated: 2024-11-19. Review status: criteria provided, single submitter. Criteria: ACMG Guidelines, 2015. Collection method: clinical testing. Allele origin: germline.

Ambry Genetics
Classification: Likely benign for Inborn genetic diseases. Last evaluated: 2024-08-21. Review status: criteria provided, single submitter. Criteria: Ambry Variant Classification Scheme 2023. Collection method: clinical testing. Allele origin: germline.

GeneDx
Classification: Likely benign. Last evaluated: 2021-10-24. Review status: criteria provided, single submitter. Criteria: GeneDx Variant Classification Process June 2021. Collection method: clinical testing. Allele origin: germline. Affected: yes.

Genetic Services Laboratory, University of Chicago
Classification: Benign. Last evaluated: 2021-02-12. Review status: criteria provided, single submitter. Criteria: ACMG Guidelines, 2015. Collection method: clinical testing. Allele origin: germline. Affected: no.

PreventionGenetics, part of Exact Sciences
Classification: Likely benign for DDX41-related condition. Last evaluated: 2020-01-02. Review status: no assertion criteria provided. Collection method: clinical testing. Allele origin: germline. Not counted in ClinVar's aggregate classification.
Comment: This variant is classified as likely benign based on ACMG/AMP sequence variant interpretation guidelines (Richards et al. 2015 PMID: 25741868, with internal and published modifications).